The following is an entry in ClinVar:

ClinVar aggregate classification (germline): Uncertain significance (1 of 4 stars; one submission).

Conditions:
Hereditary cancer-predisposing syndrome. Also called: Neoplastic Syndromes, Hereditary; Tumor predisposition; Hereditary neoplastic syndrome; Hereditary Cancer Syndrome. Identifiers: Orphanet 140162, MedGen C0027672, MeSH D009386, MONDO:0015356.

Submission:

Ambry Genetics
Classification: Uncertain significance for Hereditary cancer-predisposing syndrome. Last evaluated: 2026-04-16. Review status: criteria provided, single submitter. Criteria: Ambry Variant Classification Scheme 2023. Collection method: clinical testing. Allele origin: germline.
Comment: The p.T1219N variant (also known as c.3656C>A), located in coding exon 8 of the MSH6 gene, results from a C to A substitution at nucleotide position 3656. The threonine at codon 1219 is replaced by asparagine, an amino acid with similar properties. This variant was reported in individual(s) with features consistent with MSH6-related Lynch syndrome (Ambry internal data). This amino acid position is highly conserved in available vertebrate species. In addition, this alteration is predicted to be deleterious by in silico analysis. Based on the available evidence, the clinical significance of this variant remains unclear.

Literature cited by the submitters: PubMed 11709755.

NM_000179.3(MSH6):c.3656C>A (p.Thr1219Asn)

Gene: MSH6 (mutS homolog 6; plus strand). Cytogenetic location: 2p16.3.
Variant type: single nucleotide variant.
Coding change: c.3656C>A on transcript NM_000179.3 (MANE Select); coding-DNA position 3656, C replaced by A.
Protein change: p.Thr1219Asn; replaces threonine 1219 with asparagine.
Molecular consequence: missense variant.
Genome position (GRCh38, 1-based): chr2:47,806,213, C>A. VCF-style: chr2-47806213-C-A. GRCh37 (hg19) VCF-style: chr2-48033352-C-A.
Other names: c.3266C>A, p.Thr1089Asn (NM_001281492.2); c.2750C>A, p.Thr917Asn (NM_001281493.2, NM_001281494.2); short protein forms T1219N, T1089N, T917N.
Identifiers: ClinVar variation 142155 (VCV000142155.6), dbSNP rs63750949, ClinGen allele CA013750.